The following is an entry in ClinVar:

NM_001291088.2(WDR87):c.6889GAGGAGGAGGAGGAAAGG[3] (p.2285EEEEER[5])

Gene: WDR87 (WD repeat domain 87; minus strand). Cytogenetic location: 19q13.13.
Variant type: Microsatellite.
Coding change: c.6889GAGGAGGAGGAGGAAAGG[3] on transcript NM_001291088.2 (MANE Select); three copies in a row of the 18-base unit GAGGAGGAGGAGGAAAGG starting at c.6889; the reference has two copies in a row; one copy, 18 bases duplicated.
Protein change: p.2285EEEEER[5].
Molecular consequence: inframe insertion.
Genome position (GRCh38, 1-based): chr19:37,886,747-37,886,764, CCTTTCCTCCTCCTCCTC duplicated on the plus strand (GAGGAGGAGGAGGAAAGG on the coding strand, the reverse complement: WDR87 is on the minus strand); duplicating any 18 consecutive bases within chr19:37,886,747-37,886,791 gives the same sequence; the position shown is the placement nearest the transcript's 3' end. VCF-style (leftmost placement, unchanged base first): chr19-37886746-T-TCCTTTCCTCCTCCTCCTC. GRCh37 (hg19) VCF-style: chr19-38377409-A-TCCTCCTCCTCCTCCCTTT.
Other names: c.6772GAGGAGGAGGAGGAAAGG[3], p.2246EEEEER[5] (NM_031951.5).
Identifiers: ClinVar variation 1257811 (VCV001257811.7), dbSNP rs763153590, ClinGen allele CA308019707.

ClinVar aggregate classification (germline): Conflicting classifications of pathogenicity. Review status: criteria provided, conflicting classifications (1 of 4 stars). 2 submissions from 2 submitters: Uncertain significance (1); Benign (1). Last evaluated 2023-07-17.

Submissions (2):

Labcorp Genetics (formerly Invitae), Labcorp
Classification: Uncertain significance. Last evaluated: 2023-07-17. Review status: criteria provided, single submitter. Criteria: Invitae Variant Classification Sherloc (09022015). Collection method: clinical testing. Allele origin: germline.
Comment: This variant, c.6790_6807dup, results in the insertion of 6 amino acid(s) of the WDR87 protein (p.Glu2264_Arg2269dup), but otherwise preserves the integrity of the reading frame. The frequency data for this variant in the population databases is considered unreliable, as metrics indicate poor data quality at this position in the gnomAD database. This variant has not been reported in the literature in individuals affected with WDR87-related conditions. ClinVar contains an entry for this variant (Variation ID: 1257811). In summary, the available evidence is currently insufficient to determine the role of this variant in disease. Therefore, it has been classified as a Variant of Uncertain Significance.

GeneDx
Classification: Benign. Last evaluated: 2020-08-18. Review status: criteria provided, single submitter. Criteria: GeneDx Variant Classification Process June 2021. Collection method: clinical testing. Allele origin: germline. Affected: yes.